The following is an entry in ClinVar:

ClinVar aggregate classification (germline): Likely benign (0 of 4 stars; one submission).

Conditions:
GNAS-related disorder. Identifiers: MedGen CN380105.

Allele frequency attached by ClinVar (database versions not stated): 1000 Genomes Project 0.00040; 1000 Genomes Project 30x 0.00047; ESP Exome Variant Server 0.00017; ExAC 0.00004.
gnomAD v4.1: 41 of 1,612,034 alleles (0.0025%); highest among the groups gnomAD compares: African/African-American, 0.053%; no homozygotes.

Submission:

PreventionGenetics, part of Exact Sciences
Classification: Likely benign for GNAS-related condition. Last evaluated: 2020-02-07. Review status: no assertion criteria provided. Collection method: clinical testing. Allele origin: germline.
Comment: This variant is classified as likely benign based on ACMG/AMP sequence variant interpretation guidelines (Richards et al. 2015 PMID: 25741868, with internal and published modifications).

NM_080425.4(GNAS):c.723G>T (p.Gly241=)

Gene: GNAS (GNAS complex locus; plus strand). Cytogenetic location: 20q13.32.
Variant type: single nucleotide variant.
Coding change: c.723G>T on transcript NM_080425.4 (MANE Plus Clinical); coding-DNA position 723, G replaced by T.
Protein change: p.Gly241=; no amino-acid change (glycine 241 retained).
Molecular consequence: synonymous variant. On other transcripts: missense variant (2), intron variant (3).
Genome position (GRCh38, 1-based): chr20:58,853,988, G>T. VCF-style: chr20-58853988-G-T. GRCh37 (hg19) VCF-style: chr20-57429043-G-T.
Other names: c.536G>T, p.Gly179Val (NM_001077490.3, NM_001309883.1); c.723G>T, p.Gly241= (NM_001410913.1); c.*42+13102G>T (NM_016592.5); c.43+13102G>T (NM_001410912.1); c.-39+12113G>T (NM_001309861.2); short protein forms G179V.
Identifiers: ClinVar variation 3059204 (VCV003059204.2), dbSNP rs369666847, ClinGen allele CA9926530.
Genomic context (GRCh38, chr20:58,853,988, plus strand): 5'-GGAGACTATGCCATTTGAGCTTGATGGAGAAGGATTTGGGGACGACAGCCCACCCCCGGG[G>T]CTTTCCCGAGTTATCGCACAAGTCGACGGCAGCAGCCAGTTCGCGGCAGTCGCGGCCTCG-3'
Protein context (NP_536350.2, residues 231-251): EGFGDDSPPP[Gly241=]LSRVIAQVDG